The following is an entry in ClinVar:

ClinVar aggregate classification (germline): Benign/Likely benign. Review status: criteria provided, multiple submitters, no conflicts (2 of 4 stars). 9 submissions from 9 submitters: Benign (5); Likely benign (1). 3 of the submissions do not count toward it. Last evaluated 2026-09-01.

Conditions:
IGF1R-related disorder. Also called: IGF1R-related condition.
Growth delay due to insulin-like growth factor I resistance. Also called: Insulin-Like Growth Factor I Resistance; Somatomedin end-organ insensitivity to; Somatomedin-c resistance to; IGF-1 resistance; IGF-I RESISTANCE. Identifiers: Orphanet 73273, MedGen C1849157, MONDO:0010038, OMIM 270450.

Allele frequency attached by ClinVar (database versions not stated): 1000 Genomes Project 0.00439; 1000 Genomes Project 30x 0.00468; ExAC 0.00854; gnomAD exomes 0.00857 and 0.01188; gnomAD 0.00870 and 0.00884; TOPMed 0.00915; ESP Exome Variant Server 0.00993.
gnomAD v4.1: 18,698 of 1,614,232 alleles (1.2%); highest among the groups gnomAD compares: Middle Eastern, 1.9%; 141 homozygotes.

Submissions (9):

CeGaT Center for Human Genetics Tuebingen
Classification: Benign. Last evaluated: 2026-09-01. Review status: criteria provided, single submitter. Criteria: CeGaT Center For Human Genetics Tuebingen Variant Classification Criteria Version 2. Collection method: clinical testing. Allele origin: germline. Affected: yes. Observed: 42 variant alleles.
Comment: IGF1R: BP4, BP7, BS1, BS2

Women's Health and Genetics/Laboratory Corporation of America, LabCorp
Classification: Benign. Last evaluated: 2026-05-11. Review status: criteria provided, single submitter. Criteria: LabCorp Variant Classification Summary - May 2015. Collection method: clinical testing. Allele origin: germline.

Labcorp Genetics (formerly Invitae), Labcorp
Classification: Benign. Last evaluated: 2026-01-28. Review status: criteria provided, single submitter. Criteria: Invitae Variant Classification Sherloc (09022015). Collection method: clinical testing. Allele origin: germline.

Blueprint Genetics
Classification: Likely benign. Last evaluated: 2024-11-26. Review status: criteria provided, single submitter. Criteria: ACMG Guidelines, 2015. Collection method: clinical testing. Allele origin: germline.

Illumina Laboratory Services, Illumina
Classification: Benign for Growth delay due to insulin-like growth factor I resistance. Last evaluated: 2018-01-13. Review status: criteria provided, single submitter. Criteria: ICSL Variant Classification Criteria 13 December 2019. Collection method: clinical testing. Allele origin: germline.
Comment: This variant was observed in the ICSL laboratory as part of a predisposition screen in an ostensibly healthy population. It had not been previously curated by ICSL or reported in the Human Gene Mutation Database (HGMD: prior to June 1st, 2018), and was therefore a candidate for classification through an automated scoring system. Utilizing variant allele frequency, disease prevalence and penetrance estimates, and inheritance mode, an automated score was calculated to assess if this variant is too frequent to cause the disease. Based on the score and internal cut-off values, a variant classified as benign is not then subjected to further curation. The score for this variant resulted in a classification of benign for this disease.

Breakthrough Genomics
Classification: Benign. Review status: criteria provided, single submitter. Criteria: ACMG Guidelines, 2015. Collection method: not provided. Allele origin: germline. Inheritance: Autosomal dominant inheritance. Affected: yes.

PreventionGenetics, part of Exact Sciences
Classification: Benign for IGF1R-related condition. Last evaluated: 2020-05-05. Review status: no assertion criteria provided. Collection method: clinical testing. Allele origin: germline. Not counted in ClinVar's aggregate classification.
Comment: This variant is classified as benign based on ACMG/AMP sequence variant interpretation guidelines (Richards et al. 2015 PMID: 25741868, with internal and published modifications).

Clinical Genetics DNA and cytogenetics Diagnostics Lab, Erasmus MC, Erasmus Medical Center
Classification: Benign. Review status: no assertion criteria provided. Collection method: clinical testing. Allele origin: germline. Affected: yes. Study: VKGL Data-share Consensus. Not counted in ClinVar's aggregate classification.

Laboratory of Diagnostic Genome Analysis, Leiden University Medical Center (LUMC)
Classification: Likely benign. Review status: no assertion criteria provided. Collection method: clinical testing. Allele origin: germline. Affected: yes. Study: VKGL Data-share Consensus. Not counted in ClinVar's aggregate classification.

NM_000875.5(IGF1R):c.1686G>A (p.Val562=)

Gene: IGF1R (insulin like growth factor 1 receptor; plus strand). Cytogenetic location: 15q26.3.
Variant type: single nucleotide variant.
Coding change: c.1686G>A on transcript NM_000875.5 (MANE Select); coding-DNA position 1686, G replaced by A.
Protein change: p.Val562=; no amino-acid change (valine 562 retained).
Molecular consequence: synonymous variant.
Genome position (GRCh38, 1-based): chr15:98,913,140, G>A. VCF-style: chr15-98913140-G-A. GRCh37 (hg19) VCF-style: chr15-99456369-G-A.
Other names: c.1686G>A, p.Val562= (NM_001291858.2).
Identifiers: ClinVar variation 317449 (VCV000317449.48), dbSNP rs2228531, ClinGen allele CA7752174.